The following is an entry in ClinVar:

NM_018089.3(ANKZF1):c.838G>A (p.Ala280Thr)

Gene: ANKZF1 (ankyrin repeat and zinc finger peptidyl tRNA hydrolase 1; plus strand). Cytogenetic location: 2q35.
Variant type: single nucleotide variant.
Coding change: c.838G>A on transcript NM_018089.3 (MANE Select); coding-DNA position 838, G replaced by A.
Protein change: p.Ala280Thr; replaces alanine 280 with threonine.
Molecular consequence: missense variant.
Genome position (GRCh38, 1-based): chr2:219,233,733, G>A. VCF-style: chr2-219233733-G-A. GRCh37 (hg19) VCF-style: chr2-220098455-G-A.
Other names: c.838G>A, p.Ala280Thr (NM_001042410.2); c.208G>A, p.Ala70Thr (NM_001282792.2); short protein forms A280T, A70T.
Identifiers: ClinVar variation 4731395 (VCV004731395.1).

ClinVar aggregate classification (germline): Uncertain significance (1 of 4 stars; one submission).

gnomAD v4.1: 2 of 1,613,108 alleles (0.00012%); highest among the groups gnomAD compares: Non-Finnish European, 0.00017%; no homozygotes.

Submission:

Labcorp Genetics (formerly Invitae), Labcorp
Classification: Uncertain significance. Last evaluated: 2025-11-25. Review status: criteria provided, single submitter. Criteria: Invitae Variant Classification Sherloc (09022015). Collection method: clinical testing. Allele origin: germline.
Comment: This sequence change replaces alanine, which is neutral and non-polar, with threonine, which is neutral and polar, at codon 280 of the ANKZF1 protein (p.Ala280Thr). This variant is not present in population databases (gnomAD no frequency). This variant has not been reported in the literature in individuals affected with ANKZF1-related conditions. An algorithm developed to predict the effect of missense changes on protein structure and function outputs the following: PolyPhen-2: "Benign". The threonine amino acid residue is found in multiple mammalian species, which suggests that this missense change does not adversely affect protein function. In summary, the available evidence is currently insufficient to determine the role of this variant in disease. Therefore, it has been classified as a Variant of Uncertain Significance.